The following is an entry in ClinVar:

NC_000001.10:g.(?_47716808)_(47882947_?)dup

Genes: CMPK1 (cytidine/uridine monophosphate kinase 1; plus strand), FOXE3 (forkhead box E3; plus strand), STIL (STIL centriolar assembly protein; minus strand). Cytogenetic location: 1p33.
Variant type: Duplication.
Identifiers: ClinVar variation 2425772 (VCV002425772.3).

ClinVar aggregate classification (germline): Uncertain significance (1 of 4 stars; one submission).

Conditions:
Anterior segment dysgenesis. Also called: Ocular anterior segment dysgenesis. Identifiers: Orphanet 88632, MedGen C1862839, MONDO:0019503, HP:0007700.
Congenital primary aphakia. Also called: Anterior segment dysgenesis 2, multiple subtypes; ANTERIOR SEGMENT DYSGENESIS 2. Identifiers: Orphanet 83461, MedGen C1853230, MONDO:0012456, OMIM 610256.

Submission:

Labcorp Genetics (formerly Invitae), Labcorp
Classification: Uncertain significance for Anterior segment dysgenesis; Congenital primary aphakia. Last evaluated: 2022-10-19. Review status: criteria provided, single submitter. Criteria: Invitae Variant Classification Sherloc (09022015). Collection method: clinical testing. Allele origin: germline.
Comment: In summary, the available evidence is currently insufficient to determine the role of this variant in disease. Therefore, it has been classified as a Variant of Uncertain Significance. This variant has not been reported in the literature in individuals affected with FOXE3-related conditions. A copy number gain of the genomic region encompassing the full coding sequence of the FOXE3 gene has been identified. The boundaries of this event are unknown as they extend beyond the assayed region for this gene and therefore may encompass additional genes. As the precise location of this event is unknown, it may be in tandem or it may be located elsewhere in the genome.